The following is an entry in ClinVar:

NM_003072.5(SMARCA4):c.4554G>A (p.Lys1518=)

Gene: SMARCA4 (SWI/SNF related BAF chromatin remodeling complex subunit ATPase 4; plus strand). Cytogenetic location: 19p13.2.
Variant type: single nucleotide variant.
Coding change: c.4554G>A on transcript NM_003072.5 (MANE Select); coding-DNA position 4554, G replaced by A.
Protein change: p.Lys1518=; no amino-acid change (lysine 1518 retained).
Molecular consequence: synonymous variant. On other transcripts: non-coding transcript variant (1).
Genome position (GRCh38, 1-based): chr19:11,058,808, G>A. VCF-style: chr19-11058808-G-A. GRCh37 (hg19) VCF-style: chr19-11169484-G-A.
Other names: c.4554G>A, p.Lys1518= (NM_001128844.3); c.4464G>A, p.Lys1488= (NM_001128845.2); c.4461G>A, p.Lys1487= (NM_001128846.2); c.4455G>A, p.Lys1485= (NM_001128847.4, NM_001374457.1); c.4452G>A, p.Lys1484= (NM_001128848.2); c.4650G>A, p.Lys1550= (NM_001128849.3, NM_001387283.1).
Identifiers: ClinVar variation 480654 (VCV000480654.17), dbSNP rs908851023, ClinGen allele CA305298628.

ClinVar aggregate classification (germline): Conflicting classifications of pathogenicity. Review status: criteria provided, conflicting classifications (1 of 4 stars). 4 submissions from 4 submitters: Uncertain significance (1); Benign (1); Likely benign (2). Last evaluated 2026-07-23.

Conditions:
Rhabdoid tumor predisposition syndrome 2 (RTPS2). Identifiers: Orphanet 231108, Orphanet 69077, MedGen C2750074, MONDO:0013224, OMIM 613325.
Hereditary cancer-predisposing syndrome. Also called: Tumor predisposition; Neoplastic Syndromes, Hereditary; Hereditary Cancer Syndrome; Hereditary neoplastic syndrome. Identifiers: Orphanet 140162, MedGen C0027672, MeSH D009386, MONDO:0015356.

Allele frequency attached by ClinVar (database versions not stated): gnomAD exomes below 0.00001; gnomAD 0.00001.
gnomAD v4.1: 8 of 1,613,984 alleles (0.0005%); highest among the groups gnomAD compares: African/African-American, 0.0013%; no homozygotes.

Submissions (4):

Myriad Genetics, Inc.
Classification: Benign for Rhabdoid tumor predisposition syndrome 2. Last evaluated: 2026-07-23. Review status: criteria provided, single submitter. Criteria: Myriad Autosomal Dominant, Autosomal Recessive and X-Linked Classification Criteria (2023). Collection method: clinical testing. Allele origin: unknown.
Comment: This variant is considered benign. This variant is a silent/synonymous amino acid change and it is not expected to impact splicing.

Labcorp Genetics (formerly Invitae), Labcorp
Classification: Likely benign for Rhabdoid tumor predisposition syndrome 2. Last evaluated: 2025-08-11. Review status: criteria provided, single submitter. Criteria: Invitae Variant Classification Sherloc (09022015). Collection method: clinical testing. Allele origin: germline.

GeneDx
Classification: Uncertain significance. Last evaluated: 2023-05-04. Review status: criteria provided, single submitter. Criteria: GeneDx Variant Classification Process June 2021. Collection method: clinical testing. Allele origin: germline. Affected: yes.
Comment: Not observed at significant frequency in large population cohorts (gnomAD); In silico analysis supports that this variant does not alter splicing; Has not been previously published as pathogenic or benign to our knowledge

Ambry Genetics
Classification: Likely benign for Hereditary cancer-predisposing syndrome. Last evaluated: 2016-09-19. Review status: criteria provided, single submitter. Criteria: Ambry Variant Classification Scheme 2023. Collection method: clinical testing. Allele origin: germline.